The following is an entry in ClinVar:

NM_002838.5(PTPRC):c.3757G>A (p.Asp1253Asn)

Gene: PTPRC (protein tyrosine phosphatase receptor type C; plus strand). Cytogenetic location: 1q32.1.
Variant type: single nucleotide variant.
Coding change: c.3757G>A on transcript NM_002838.5 (MANE Select); coding-DNA position 3757, G replaced by A.
Protein change: p.Asp1253Asn; replaces aspartic acid 1253 with asparagine.
Molecular consequence: missense variant.
Genome position (GRCh38, 1-based): chr1:198,756,017, G>A. VCF-style: chr1-198756017-G-A. GRCh37 (hg19) VCF-style: chr1-198725146-G-A.
Other names: c.3274G>A, p.Asp1092Asn (NM_080921.4); short protein forms D1092N, D1253N.
Identifiers: ClinVar variation 1059716 (VCV001059716.9), dbSNP rs752249753, ClinGen allele CA1315553.
Genomic context (GRCh38, chr1:198,756,017, plus strand): 5'-AATGGACAAGTAAAGAAAAACAACCATCAAGAAGATAAAATTGAATTTGATAATGAAGTG[G>A]ACAAAGTAAAGCAGGATGCTAATTGTGTTAATCCACTTGGTGCCCCAGAAAAGCTCCCTG-3'
Protein context (NP_002829.3, residues 1243-1263): EDKIEFDNEV[Asp1253Asn]KVKQDANCVN

ClinVar aggregate classification (germline): Uncertain significance (1 of 4 stars; one submission).

Conditions:
Immunodeficiency 104. Also called: IMMUNODEFICIENCY 104, SEVERE COMBINED; Severe combined immunodeficiency, autosomal recessive, T cell-negative, B cell-positive, NK cell-positive; Severe Combined Immune Deficiency, Autosomal Recessive, TCell -Negative, B Cell-Positive, NK Cell-Positive, IL7R-Related; SCID, AUTOSOMAL RECESSIVE, T CELL-NEGATIVE, B CELL-POSITIVE, NK CELL-POSITIVE. Identifiers: MedGen C5676890, MONDO:0012163, OMIM 608971.

Allele frequency attached by ClinVar (database versions not stated): gnomAD exomes below 0.00001; ExAC 0.00001.
gnomAD v4.1: 2 of 1,613,388 alleles (0.00012%); highest among the groups gnomAD compares: Non-Finnish European, 0.00017%; no homozygotes.

Submission:

Labcorp Genetics (formerly Invitae), Labcorp
Classification: Uncertain significance for Immunodeficiency 104. Last evaluated: 2022-09-09. Review status: criteria provided, single submitter. Criteria: Invitae Variant Classification Sherloc (09022015). Collection method: clinical testing. Allele origin: germline.
Comment: This variant has not been reported in the literature in individuals affected with PTPRC-related conditions. This sequence change replaces aspartic acid, which is acidic and polar, with asparagine, which is neutral and polar, at codon 1253 of the PTPRC protein (p.Asp1253Asn). This variant is present in population databases (rs752249753, gnomAD 0.0009%). ClinVar contains an entry for this variant (Variation ID: 1059716). Algorithms developed to predict the effect of missense changes on protein structure and function output the following: SIFT: "Deleterious"; PolyPhen-2: "Benign"; Align-GVGD: "Class C0". The asparagine amino acid residue is found in multiple mammalian species, which suggests that this missense change does not adversely affect protein function. In summary, the available evidence is currently insufficient to determine the role of this variant in disease. Therefore, it has been classified as a Variant of Uncertain Significance.